The following is an entry in ClinVar:

NM_001042492.3(NF1):c.3871G>A (p.Val1291Ile)

Gene: NF1 (neurofibromin 1; plus strand). Cytogenetic location: 17q11.2.
Variant type: single nucleotide variant.
Coding change: c.3871G>A on transcript NM_001042492.3 (MANE Select); coding-DNA position 3871, G replaced by A.
Protein change: p.Val1291Ile; replaces valine 1291 with isoleucine.
Molecular consequence: missense variant.
Genome position (GRCh38, 1-based): chr17:31,235,918, G>A. VCF-style: chr17-31235918-G-A. GRCh37 (hg19) VCF-style: chr17-29562936-G-A.
Other names: c.3871G>A, p.Val1291Ile (NM_000267.4); short protein forms V1291I.
Identifiers: ClinVar variation 1735718 (VCV001735718.2), dbSNP rs2151438493, ClinGen allele CA398992983.

ClinVar aggregate classification (germline): Uncertain significance (1 of 4 stars; one submission).

Conditions:
Hereditary cancer-predisposing syndrome. Also called: Neoplastic Syndromes, Hereditary; Tumor predisposition; Hereditary Cancer Syndrome; Hereditary neoplastic syndrome. Identifiers: Orphanet 140162, MedGen C0027672, MeSH D009386, MONDO:0015356.
Cardiovascular phenotype. Identifiers: MedGen CN230736.

Submission:

Ambry Genetics
Classification: Uncertain significance for Cardiovascular phenotype; Hereditary cancer-predisposing syndrome. Last evaluated: 2021-07-02. Review status: criteria provided, single submitter. Criteria: Ambry Variant Classification Scheme 2023. Collection method: clinical testing. Allele origin: germline.
Comment: The p.V1291I variant (also known as c.3871G>A) is located in coding exon 29 of the NF1 gene. The valine at codon 1291 is replaced by isoleucine, an amino acid with highly similar properties. This change occurs in the first base pair of coding exon 29. This amino acid position is highly conserved in available vertebrate species. In addition, the in silico prediction for this alteration is inconclusive. Since supporting evidence is limited at this time, the clinical significance of this alteration remains unclear.